The following is an entry in ClinVar:

ClinVar aggregate classification (germline): Conflicting classifications of pathogenicity. Review status: criteria provided, conflicting classifications (1 of 4 stars). 2 submissions from 2 submitters: Uncertain significance (1); Likely benign (1). Last evaluated 2025-09-09.

Conditions:
Familial adenomatous polyposis 2. Also called: Adenomas, multiple colorectal; MUTYH Polyposis; COLORECTAL ADENOMATOUS POLYPOSIS, AUTOSOMAL RECESSIVE; ADENOMAS, MULTIPLE COLORECTAL, AUTOSOMAL RECESSIVE; FAP type 2; MUTYH-associated polyposis. Identifiers: Orphanet 220460, Orphanet 247798, MedGen C3272841, MONDO:0012041, OMIM 608456.
Hereditary cancer-predisposing syndrome. Also called: Neoplastic Syndromes, Hereditary; Hereditary Cancer Syndrome; Hereditary neoplastic syndrome; Tumor predisposition. Identifiers: Orphanet 140162, MedGen C0027672, MeSH D009386, MONDO:0015356.

Submissions (2):

Ambry Genetics
Classification: Likely benign for Hereditary cancer-predisposing syndrome. Last evaluated: 2025-09-09. Review status: criteria provided, single submitter. Criteria: Ambry Variant Classification Scheme 2023. Collection method: clinical testing. Allele origin: germline.

Labcorp Genetics (formerly Invitae), Labcorp
Classification: Uncertain significance for Familial adenomatous polyposis 2. Last evaluated: 2020-03-02. Review status: criteria provided, single submitter. Criteria: Invitae Variant Classification Sherloc (09022015). Collection method: clinical testing. Allele origin: germline.
Comment: This sequence change replaces alanine with valine at codon 143 of the MUTYH protein (p.Ala143Val). The alanine residue is highly conserved and there is a small physicochemical difference between alanine and valine. This variant is not present in population databases (ExAC no frequency). This variant has not been reported in the literature in individuals with MUTYH-related conditions. In summary, the available evidence is currently insufficient to determine the role of this variant in disease. Therefore, it has been classified as a Variant of Uncertain Significance. Algorithms developed to predict the effect of missense changes on protein structure and function are either unavailable or do not agree on the potential impact of this missense change (SIFT: "Deleterious"; PolyPhen-2: "Possibly Damaging"; Align-GVGD: "Class C0").

NM_001048174.2(MUTYH):c.344C>T (p.Ala115Val)

Gene: MUTYH (mutY DNA glycosylase; minus strand). Cytogenetic location: 1p34.1.
Variant type: single nucleotide variant.
Coding change: c.344C>T on transcript NM_001048174.2 (MANE Select); coding-DNA position 344, C replaced by T.
Protein change: p.Ala115Val; replaces alanine 115 with valine.
Molecular consequence: missense variant. On other transcripts: non-coding transcript variant (1), intron variant (2).
Genome position (GRCh38, 1-based): chr1:45,333,131, G>A on the plus strand (C>T on the coding strand, the complement: MUTYH is on the minus strand). VCF-style: chr1-45333131-G-A. GRCh37 (hg19) VCF-style: chr1-45798803-G-A.
Other names: c.344C>T, p.Ala115Val (NM_001048171.2, NM_001048173.2, NM_001293195.2); c.347C>T, p.Ala116Val (NM_001048172.2); c.428C>T, p.Ala143Val (NM_001128425.2); c.389C>T, p.Ala130Val (NM_001293190.2); c.377C>T, p.Ala126Val (NM_001293191.2); c.68C>T, p.Ala23Val (NM_001293192.2, NM_001293196.2); c.419C>T, p.Ala140Val (NM_012222.3); c.33+154C>T (NM_001350651.2, NM_001350650.2); short protein forms A115V, A116V, A126V, A130V, A140V, A143V, A23V.
Identifiers: ClinVar variation 1052459 (VCV001052459.12), dbSNP rs2149165354, ClinGen allele CA340136134.